The following is an entry in ClinVar:

NM_001999.4(FBN2):c.2940C>G (p.Cys980Trp)

Gene: FBN2 (fibrillin 2; minus strand). Cytogenetic location: 5q23.3.
Variant type: single nucleotide variant.
Coding change: c.2940C>G on transcript NM_001999.4 (MANE Select); coding-DNA position 2940, C replaced by G.
Protein change: p.Cys980Trp; replaces cysteine 980 with tryptophan.
Molecular consequence: missense variant.
Genome position (GRCh38, 1-based): chr5:128,349,396, G>C on the plus strand (C>G on the coding strand, the complement: FBN2 is on the minus strand). VCF-style: chr5-128349396-G-C. GRCh37 (hg19) VCF-style: chr5-127685088-G-C.
Other names: short protein forms C980W.
Identifiers: ClinVar variation 4743950 (VCV004743950.1).

ClinVar aggregate classification (germline): Uncertain significance (1 of 4 stars; one submission).

Conditions:
Congenital contractural arachnodactyly (CCA). Also called: BEALS SYNDROME; Arthrogryposis, distal, type 9; Beals-Hecht syndrome. Identifiers: Orphanet 115, MedGen C0220668, MONDO:0007363, OMIM 121050.

Submission:

Labcorp Genetics (formerly Invitae), Labcorp
Classification: Uncertain significance for Congenital contractural arachnodactyly. Last evaluated: 2026-01-12. Review status: criteria provided, single submitter. Criteria: Invitae Variant Classification Sherloc (09022015). Collection method: clinical testing. Allele origin: germline.
Comment: This sequence change replaces cysteine, which is neutral and slightly polar, with tryptophan, which is neutral and slightly polar, at codon 980 of the FBN2 protein (p.Cys980Trp). This variant is not present in population databases (gnomAD no frequency). This variant has not been reported in the literature in individuals affected with FBN2-related conditions. Invitae Evidence Modeling of protein sequence and biophysical properties (such as structural, functional, and spatial information, amino acid conservation, physicochemical variation, residue mobility, and thermodynamic stability) has been performed for this missense variant. However, the output from this modeling did not meet the statistical confidence thresholds required to predict the impact of this variant on FBN2 protein function. In summary, the available evidence is currently insufficient to determine the role of this variant in disease. Therefore, it has been classified as a Variant of Uncertain Significance.